The following is an entry in ClinVar:

ClinVar aggregate classification (germline): Uncertain significance. Review status: criteria provided, multiple submitters, no conflicts (2 of 4 stars). 6 submissions from 6 submitters: Uncertain significance (4). 2 of the submissions do not count toward it. Last evaluated 2026-06-23.

Conditions:
Alzheimer disease 4 (AD4). Identifiers: Orphanet 1020, MedGen C1847200, MONDO:0011743, OMIM 606889.
Alzheimer disease. Also called: Alzheimer's disease; Presenile and senile dementia. Identifiers: Orphanet 1020, MedGen C0002395, MeSH D000544, MONDO:0004975, HP:0002511.

Allele frequency attached by ClinVar (database versions not stated): ExAC 0.00004; gnomAD 0.00004; gnomAD exomes 0.00004 and 0.00015; TOPMed 0.00006.
gnomAD v4.1: 233 of 1,613,350 alleles (0.014%); highest among the groups gnomAD compares: Non-Finnish European, 0.019%; no homozygotes.

Submissions (6):

Women's Health and Genetics/Laboratory Corporation of America, LabCorp
Classification: Uncertain significance. Last evaluated: 2026-06-23. Review status: criteria provided, single submitter. Criteria: LabCorp Variant Classification Summary - May 2015. Collection method: clinical testing. Allele origin: germline.
Comment: Variant summary: PSEN2 c.1316A>C (p.Asp439Ala) results in a non-conservative amino acid change in the encoded protein sequence. Algorithms developed to predict the effect of missense changes on protein structure and function all suggest that this variant is likely to be disruptive. The variant allele was found at a frequency of 3.6e-05 in 249664 control chromosomes (gnomAD). The available data on variant occurrences in the general population are insufficient to allow any conclusion about variant significance. c.1316A>C has been observed in individuals affected with Alzheimer disease and/or Lewy body dementia (e.g. Lleo_2001, Sassi_2014, Keogh_2016). These reports do not provide unequivocal conclusions about association of the variant with disease. Publications report experimental evidence evaluating an impact on protein function, however, do not allow convincing conclusions about the variant effect (e.g. Walker_2005, Hsu_2020, Gao_2024). The following publications have been ascertained in the context of this evaluation (PMID: 11723295, 25104557, 26836416, 15663477, 32087291, 38159198). ClinVar contains an entry for this variant (Variation ID: 8847). Based on the evidence outlined above, the variant was classified as uncertain significance.

Labcorp Genetics (formerly Invitae), Labcorp
Classification: Uncertain significance for Alzheimer disease 4. Last evaluated: 2023-04-15. Review status: criteria provided, single submitter. Criteria: Invitae Variant Classification Sherloc (09022015). Collection method: clinical testing. Allele origin: germline.
Comment: This sequence change replaces aspartic acid, which is acidic and polar, with alanine, which is neutral and non-polar, at codon 439 of the PSEN2 protein (p.Asp439Ala). This variant is present in population databases (rs63750110, gnomAD 0.01%). This missense change has been observed in individual(s) with Alzheimer disease and/or Lewy body dementia (PMID: 11723295, 25104557, 26836416). ClinVar contains an entry for this variant (Variation ID: 8847). In summary, the available evidence is currently insufficient to determine the role of this variant in disease. Therefore, it has been classified as a Variant of Uncertain Significance. Experimental studies are conflicting or provide insufficient evidence to determine the effect of this variant on PSEN2 function (PMID: 15663477, 32087291). Advanced modeling of protein sequence and biophysical properties (such as structural, functional, and spatial information, amino acid conservation, physicochemical variation, residue mobility, and thermodynamic stability) performed at Invitae indicates that this missense variant is expected to disrupt PSEN2 protein function.

GeneDx
Classification: Uncertain significance. Last evaluated: 2020-05-26. Review status: criteria provided, single submitter. Criteria: GeneDx Variant Classification Process June 2021. Collection method: clinical testing. Allele origin: germline. Affected: yes.
Comment: Previously reported as a rare benign variant in an individual with EOAD as well as in multiple control individuals (Sassi et al., 2014); The published functional data demonstrates conflicting evidence of pathogenicity (Walker et al., 2005; Hsu et al., 2020); In silico analysis supports that this missense variant has a deleterious effect on protein structure/function; This variant is associated with the following publications: (PMID: 20375137, 24594196, 25937274, 25104557, 15663477, 11723295, 12925374, 32087291, 19073399, 26836416)

Biesecker Lab/Clinical Genomics Section, National Institutes of Health
Classification: Uncertain significance for Alzheimer disease. Last evaluated: 2013-06-24. Review status: criteria provided, single submitter. Criteria: Ng et al. (Circ Cardiovasc Genet. 2013). Collection method: research. Allele origin: unknown. Observed: 1 variant allele. Study: ClinSeq.
Comment: The study set was not selected for affection status in relation to any cancer. Pathogenicity categories were based on literature curation. See Pubmed ID:23861362 for details.

Medical sequencing

OMIM
Classification: Pathogenic for ALZHEIMER DISEASE, FAMILIAL, 4. Last evaluated: 2001-11-27. Review status: no assertion criteria provided. Collection method: literature only. Allele origin: germline. Not counted in ClinVar's aggregate classification.

VIB  Department of Molecular Genetics, University of Antwerp
No classification provided. Review status: no classification provided. Collection method: not provided. Allele origin: unknown. Not counted in ClinVar's aggregate classification.

Literature cited by the submitters: PubMed 32087291 (cited by Women's Health and Genetics/Laboratory Corporation of America, LabCorp and Labcorp Genetics (formerly Invitae), Labcorp); PubMed 25104557 (cited by Women's Health and Genetics/Laboratory Corporation of America, LabCorp and Labcorp Genetics (formerly Invitae), Labcorp); PubMed 15663477 (cited by Women's Health and Genetics/Laboratory Corporation of America, LabCorp and Labcorp Genetics (formerly Invitae), Labcorp); PubMed 26836416 (cited by Women's Health and Genetics/Laboratory Corporation of America, LabCorp and Labcorp Genetics (formerly Invitae), Labcorp); PubMed 38159198 (cited by Women's Health and Genetics/Laboratory Corporation of America, LabCorp); PubMed 11723295 (cited by 3 submitters).

NM_000447.3(PSEN2):c.1316A>C (p.Asp439Ala)

Gene: PSEN2 (presenilin 2; plus strand). Cytogenetic location: 1q42.13.
Variant type: single nucleotide variant.
Coding change: c.1316A>C on transcript NM_000447.3 (MANE Select); coding-DNA position 1316, A replaced by C.
Protein change: p.Asp439Ala; replaces aspartic acid 439 with alanine.
Molecular consequence: missense variant.
Genome position (GRCh38, 1-based): chr1:226,895,548, A>C. VCF-style: chr1-226895548-A-C. GRCh37 (hg19) VCF-style: chr1-227083249-A-C.
Other names: c.1313A>C, p.Asp438Ala (NM_012486.3); short protein forms D439A, D438A.
Identifiers: ClinVar variation 8847 (VCV000008847.11), dbSNP rs63750110, ClinGen allele CA224963.
Genomic context (GRCh38, chr1:226,895,548, plus strand): 5'-CCATCACGTTCGGGCTCATCTTTTACTTCTCCACGGACAACCTGGTGCGGCCGTTCATGG[A>C]CACCCTGGCCTCCCATCAGCTCTACATCTGAGGGACATGGTGTGCCACAGGCTGCAAGCT-3'
Protein context (NP_000438.2, residues 429-448): STDNLVRPFM[Asp439Ala]TLASHQLYI